The following is an entry in ClinVar:

ClinVar aggregate classification (germline): Uncertain significance (1 of 4 stars; one submission).

Conditions:
Primary ciliary dyskinesia. Also called: Ciliary dyskinesia. Identifiers: Orphanet 244, MedGen C0008780, MONDO:0016575, HP:0012265.

Allele frequency attached by ClinVar (database versions not stated): gnomAD exomes below 0.00001.
gnomAD v4.1: 2 of 1,544,828 alleles (0.00013%); highest among the groups gnomAD compares: Non-Finnish European, 0.00017%; no homozygotes.

Submission:

Ambry Genetics
Classification: Uncertain significance for Primary ciliary dyskinesia. Last evaluated: 2022-04-04. Review status: criteria provided, single submitter. Criteria: Ambry Variant Classification Scheme 2023. Collection method: clinical testing. Allele origin: germline.
Comment: The p.L538R variant (also known as c.1613T>G), located in coding exon 12 of the CCDC39 gene, results from a T to G substitution at nucleotide position 1613. The leucine at codon 538 is replaced by arginine, an amino acid with dissimilar properties. This amino acid position is conserved. In addition, the in silico prediction for this alteration is inconclusive. Since supporting evidence is limited at this time, the clinical significance of this alteration remains unclear.

NM_181426.2(CCDC39):c.1613T>G (p.Leu538Arg)

Gene: CCDC39 (coiled-coil domain 39 molecular ruler complex subunit; minus strand). Cytogenetic location: 3q26.33.
Variant type: single nucleotide variant.
Coding change: c.1613T>G on transcript NM_181426.2 (MANE Select); coding-DNA position 1613, T replaced by G.
Protein change: p.Leu538Arg; replaces leucine 538 with arginine.
Molecular consequence: missense variant.
Genome position (GRCh38, 1-based): chr3:180,644,172, A>C on the plus strand (T>G on the coding strand, the complement: CCDC39 is on the minus strand). VCF-style: chr3-180644172-A-C. GRCh37 (hg19) VCF-style: chr3-180361960-A-C.
Other names: short protein forms L538R.
Identifiers: ClinVar variation 1776448 (VCV001776448.2), dbSNP rs2473806241, ClinGen allele CA355309514.